The following is an entry in ClinVar:

NM_001040436.3(YARS2):c.789AGA[1] (p.Glu264del)

Gene: YARS2 (tyrosyl-tRNA synthetase 2; minus strand). Cytogenetic location: 12p11.21.
Variant type: Microsatellite.
Coding change: c.789AGA[1] on transcript NM_001040436.3 (MANE Select); one copy of the 3-base unit AGA starting at c.789; the reference has two copies in a row; one copy, 3 bases deleted; also written c.792_794del.
Protein change: p.Glu264del; deletes glutamic acid 264.
Molecular consequence: inframe deletion.
Genome position (GRCh38, 1-based): chr12:32,754,071-32,754,073, TCT deleted on the plus strand (AGA on the coding strand, the reverse complement: YARS2 is on the minus strand); deleting any 3 consecutive bases within chr12:32,754,071-32,754,076 gives the same sequence; the position shown is the placement nearest the transcript's 3' end. VCF-style (leftmost placement, unchanged base first): chr12-32754070-ATCT-A. GRCh37 (hg19) VCF-style: chr12-32907004-ATCT-A.
Other names: c.792_794delAGA (NM_001040436.2); c.792_794del (NM_001040436.2); short protein forms E264del.
Identifiers: ClinVar variation 1196760 (VCV001196760.3), dbSNP rs1955799198, ClinGen allele CA946307406.

ClinVar aggregate classification (germline): Likely pathogenic (1 of 4 stars; one submission).

Submission:

GeneDx
Classification: Likely pathogenic. Last evaluated: 2023-12-07. Review status: criteria provided, single submitter. Criteria: GeneDx Variant Classification Process June 2021. Collection method: clinical testing. Allele origin: germline. Affected: yes.
Comment: Not observed in large population cohorts (gnomAD); In-frame deletion of 1 amino acids in a non-repeat region; In silico analysis supports a deleterious effect on protein structure/function; Has not been previously published as pathogenic or benign to our knowledge